The following is an entry in ClinVar:

ClinVar aggregate classification (germline): Uncertain significance. Review status: criteria provided, multiple submitters, no conflicts (2 of 4 stars). 2 submissions from 2 submitters: Uncertain significance (2). Last evaluated 2024-11-05.

Conditions:
Primary ciliary dyskinesia. Also called: Ciliary dyskinesia. Identifiers: Orphanet 244, MedGen C0008780, MONDO:0016575, HP:0012265.

Allele frequency attached by ClinVar (database versions not stated): gnomAD 0.00001; gnomAD exomes 0.00001; TOPMed 0.00002; ExAC 0.00003.
gnomAD v4.1: 9 of 1,613,010 alleles (0.00056%); highest among the groups gnomAD compares: Admixed American, 0.015%; no homozygotes.

Submissions (2):

Labcorp Genetics (formerly Invitae), Labcorp
Classification: Uncertain significance for Primary ciliary dyskinesia. Last evaluated: 2024-11-05. Review status: criteria provided, single submitter. Criteria: Invitae Variant Classification Sherloc (09022015). Collection method: clinical testing. Allele origin: germline.
Comment: This sequence change replaces alanine, which is neutral and non-polar, with serine, which is neutral and polar, at codon 362 of the CCDC114 protein (p.Ala362Ser). This variant is present in population databases (rs750212100, gnomAD 0.02%). This variant has not been reported in the literature in individuals affected with CCDC114-related conditions. ClinVar contains an entry for this variant (Variation ID: 2167015). An algorithm developed to predict the effect of missense changes on protein structure and function (PolyPhen-2) suggests that this variant is likely to be disruptive. In summary, the available evidence is currently insufficient to determine the role of this variant in disease. Therefore, it has been classified as a Variant of Uncertain Significance.

Ambry Genetics
Classification: Uncertain significance for Primary ciliary dyskinesia. Last evaluated: 2023-12-04. Review status: criteria provided, single submitter. Criteria: Ambry Variant Classification Scheme 2023. Collection method: clinical testing. Allele origin: germline.
Comment: The p.A362S variant (also known as c.1084G>T), located in coding exon 9 of the CCDC114 gene, results from a G to T substitution at nucleotide position 1084. The alanine at codon 362 is replaced by serine, an amino acid with similar properties. This amino acid position is conserved. In addition, this alteration is predicted to be tolerated by in silico analysis. Since supporting evidence is limited at this time, the clinical significance of this alteration remains unclear.

NM_001364171.2(ODAD1):c.1195G>T (p.Ala399Ser)

Gene: ODAD1 (outer dynein arm docking complex subunit 1; minus strand). Cytogenetic location: 19q13.33.
Variant type: single nucleotide variant.
Coding change: c.1195G>T on transcript NM_001364171.2 (MANE Select); coding-DNA position 1195, G replaced by T.
Protein change: p.Ala399Ser; replaces alanine 399 with serine.
Molecular consequence: missense variant.
Genome position (GRCh38, 1-based): chr19:48,302,739, C>A on the plus strand (G>T on the coding strand, the complement: ODAD1 is on the minus strand). VCF-style: chr19-48302739-C-A. GRCh37 (hg19) VCF-style: chr19-48805996-C-A.
Other names: c.1084G>T, p.Ala362Ser (NM_144577.4); c.1084G>T (NM_144577.3); short protein forms A399S, A362S.
Identifiers: ClinVar variation 2167015 (VCV002167015.5), dbSNP rs750212100, ClinGen allele CA9548785.